The following is an entry in ClinVar:

ClinVar aggregate classification (germline): Conflicting classifications of pathogenicity. Review status: criteria provided, conflicting classifications (1 of 4 stars). 8 submissions from 8 submitters: Likely pathogenic (2); Uncertain significance (5). 1 of the submissions does not count toward it. Last evaluated 2026-09-02.

Conditions:
DMXL2-related disorder. Also called: DMXL2-related condition.
Polyendocrine-polyneuropathy syndrome (PEPNS). Identifiers: Orphanet 453533, MedGen C4015261, MONDO:0014497, OMIM 616113.

Submissions (8):

PreventionGenetics, part of Exact Sciences
Classification: Uncertain significance for DMXL2-related condition. Last evaluated: 2026-09-02. Review status: criteria provided, single submitter. Criteria: ACMG Guidelines, 2015. Collection method: clinical testing. Allele origin: germline.
Comment: The DMXL2 c.5827_5841del15 variant is predicted to result in an in-frame deletion (p.Asp1943_Ser1947del). This variant has been reported to segregate with complex endocrine and neurodevelopmental disorder in three affected (homozygous) and two unaffected (heterozygous/absent) siblings from a consanguineous family (referred to as c.5824_5838del, p.1942_1946del, Tata et al. 2014. PubMed ID: 25248098). Expression of DMXL2 mRNA in blood lymphocytes from homozygous individuals was 30% of homozygous wildtype individuals (Tata et al. 2014. PubMed ID: 25248098). This variant has also been reported in a patient with post-lingual childhood onset hearing loss (Table S2, Perry et al. 2022. PubMed ID: 36515421). This variant is reported in 0.20% of alleles in individuals of African descent in gnomAD, including over 200 heterozygous and one homozygous individual in the gnomAD v4.1.1 dataset. In ClinVar this variant has conflicting interpretations of uncertain, likely pathogenic and pathogenic (Variation ID: 161414). While we suspect this variant may be pathogenic for autosomal recessive disease, at this time, the clinical significance of this variant is uncertain for both autosomal recessive and autosomal dominant disorder.

Labcorp Genetics (formerly Invitae), Labcorp
Classification: Uncertain significance. Last evaluated: 2026-01-12. Review status: criteria provided, single submitter. Criteria: Invitae Variant Classification Sherloc (09022015). Collection method: clinical testing. Allele origin: germline.
Comment: This variant, c.5827_5841del, results in the deletion of 5 amino acid(s) of the DMXL2 protein (p.Asp1943_Ser1947del), but otherwise preserves the integrity of the reading frame. This variant is present in population databases (rs606231461, gnomAD 0.2%). This variant has been observed in individual(s) with a complex endocrine and neurodevelopmental disorder, deafness (PMID: 25248098, 36515421). ClinVar contains an entry for this variant (Variation ID: 161414). Experimental studies and prediction algorithms are not available or were not evaluated, and the functional significance of this variant is currently unknown. In summary, the available evidence is currently insufficient to determine the role of this variant in disease. Therefore, it has been classified as a Variant of Uncertain Significance.

Women's Health and Genetics/Laboratory Corporation of America, LabCorp
Classification: Uncertain significance. Last evaluated: 2025-09-11. Review status: criteria provided, single submitter. Criteria: LabCorp Variant Classification Summary - May 2015. Collection method: clinical testing. Allele origin: germline.
Comment: Variant summary: DMXL2 c.5827_5841del15 (p.Asp1943_Ser1947del) results in an in-frame deletion that is predicted to remove five amino acids from the encoded protein. The variant allele was found at a frequency of 0.00014 in 251022 control chromosomes. This frequency is not significantly higher than estimated for disease-causing variants in DMXL2, allowing no conclusion about variant significance. c.5827_5841del15 has been observed in individuals affected with Gonadotropic axis deficiency, hypothyroidism, polyneuropathy, mental retardation, and hypoglycaemia (example: Tata_2014) and Hearing loss (Perry_2023). These report(s) do not provide unequivocal conclusions about association of the variant with Developmental and epileptic encephalopathy 81 (OMIM 618663). The following publications have been ascertained in the context of this evaluation (PMID: 36515421, 25248098). ClinVar contains an entry for this variant (Variation ID: 161414). Based on the evidence outlined above, the variant was classified as uncertain significance.

Dasa
Classification: Likely pathogenic. Last evaluated: 2025-07-28. Review status: criteria provided, single submitter. Criteria: DASA Assertion Criteria. Collection method: clinical testing. Allele origin: germline.
Comment: NM_001378457.1(DMXL2):c.5827_5841del (p.Asp1943_Ser1947del) is an in-frame deletion predicted to remove amino acids from aspartic acid at protein position 1943 through serine at protein position 1947 without shifting the reading frame. Segregation data support an association with disease in the reported family/families (PMID: 25248098). This variant has been reported in individuals with DMXL2-related disorders (PMID: 25248098). Functional evidence supports an impact on the gene or gene product. Also, this variant is rare in population databases. Based on the currently available evidence, this variant is classified as likely pathogenic.

Blueprint Genetics
Classification: Uncertain significance. Last evaluated: 2023-11-06. Review status: criteria provided, single submitter. Criteria: ACMG Guidelines, 2015. Collection method: clinical testing. Allele origin: germline.

Dubai Health Genomic Medicine Center, Dubai Health
Classification: Uncertain significance for Polyendocrine-polyneuropathy syndrome. Last evaluated: 2020-07-21. Review status: criteria provided, single submitter. Criteria: ACMG Guidelines, 2015. Collection method: clinical testing. Allele origin: germline. Affected: yes.
Comment: The p.Asp1943_Ser1947del in-frame deletion variant in DMXL2 has been previously reported in the homozygous state in three brothers with a polyendocrine-polyneuropathy disease (PMID: 25248098). This variant which results in a deletion of 5 amino acid residues starting at position 1943 has been identified in 51/24962 (0.2% 0 homozygotes) African alleles in the Genome Aggregation Database. Expression analysis showed that patients homozygous for this variant had reduced expression of the DMXL2 mRNA which is consistent with functional data demonstrating a neuro-endocrine phenotype in mice with a heterozygous loss of one copy of the gene (PMID: 25248098). In summary more information is needed to determine the clinical significance of this variant.

Laboratorio de Genetica e Diagnostico Molecular, Hospital Israelita Albert Einstein
Classification: Likely pathogenic. Last evaluated: 2020-04-17. Review status: criteria provided, single submitter. Criteria: ACMG Guidelines, 2015. Collection method: clinical testing. Allele origin: germline. Affected: yes.
Comment: ACMG classification criteria: PS3, PS4, PM2, PM3, PM4

OMIM
Classification: Pathogenic for POLYENDOCRINE-POLYNEUROPATHY SYNDROME (1 family). Last evaluated: 2014-09-01. Review status: no assertion criteria provided. Collection method: literature only. Allele origin: germline. Not counted in ClinVar's aggregate classification.

Literature cited by the submitters: PubMed 25248098 (cited by 4 submitters); PubMed 36515421 (cited by Labcorp Genetics (formerly Invitae), Labcorp and Women's Health and Genetics/Laboratory Corporation of America, LabCorp).

NM_001378457.1(DMXL2):c.5827_5841del (p.Asp1943_Ser1947del)

Gene: DMXL2 (Dmx like 2; minus strand). Cytogenetic location: 15q21.2.
Variant type: Deletion.
Coding change: c.5827_5841del on transcript NM_001378457.1 (MANE Select); coding-DNA positions 5827 to 5841, 15 bases deleted (GATGGCAATGGAAGT).
Protein change: p.Asp1943_Ser1947del.
Molecular consequence: inframe deletion. On other transcripts: non-coding transcript variant (2).
Genome position (GRCh38, 1-based): chr15:51,481,265-51,481,279, ACTTCCATTGCCATC deleted on the plus strand (GATGGCAATGGAAGT on the coding strand, the reverse complement: DMXL2 is on the minus strand); deleting any 15 consecutive bases within chr15:51,481,265-51,481,282 gives the same sequence; the c. name uses the placement nearest the transcript's 3' end. VCF-style (leftmost placement, unchanged base first): chr15-51481264-AACTTCCATTGCCATC-A. GRCh37 (hg19) VCF-style: chr15-51773461-AACTTCCATTGCCATC-A.
Other names: c.5827_5841del, p.Asp1943_Ser1947del (NM_001174116.3, NM_001378458.1, NM_001378459.1 and 4 more transcripts); c.3919_3933del, p.Asp1307_Ser1311del (NM_001174117.3); c.3808_3822del, p.Asp1270_Ser1274del (NM_001378460.1); c.5587_5601del, p.Asp1863_Ser1867del (NM_001378464.1); c.5827_5841del15 (NM_015263.5, NM_001174116.1).
Identifiers: ClinVar variation 161414 (VCV000161414.23), dbSNP rs606231461, ClinGen allele CA174009.
Genomic context (GRCh38, chr15:51,481,264, plus strand): 5'-TTACTATTGGCTGACTCCAGTCATACTGTGATGAAGTTACATTTGACCATTCAATGCCAG[AACTTCCATTGCCATC>A]ACTCAGAGCTTTTGAATGTGAAGGTACATCATCCATCCTGTGAGAAATGAAGTCAGGCTG-3'